The following is an entry in ClinVar:

ClinVar aggregate classification (germline): Pathogenic. Review status: criteria provided, multiple submitters, no conflicts (2 of 4 stars). 4 submissions from 4 submitters: Pathogenic (3). 1 of the submissions does not count toward it. Last evaluated 2025-11-13.

Conditions:
TSC1-related disorder. Also called: TSC1-related condition.
Tuberous sclerosis syndrome (TSC). Also called: Tuberous Sclerosis Complex; Tuberous sclerosis. Identifiers: Orphanet 805, MedGen C0041341, MONDO:0001734.
Tuberous sclerosis 1 (TSC1). Identifiers: Orphanet 805, MedGen C1854465, MONDO:0008612, OMIM 191100.

Submissions (4):

Labcorp Genetics (formerly Invitae), Labcorp
Classification: Pathogenic for Tuberous sclerosis 1. Last evaluated: 2025-11-13. Review status: criteria provided, single submitter. Criteria: Invitae Variant Classification Sherloc (09022015). Collection method: clinical testing. Allele origin: germline.
Comment: This sequence change creates a premature translational stop signal (p.Arg892Lysfs*11) in the TSC1 gene. It is expected to result in an absent or disrupted protein product. Loss-of-function variants in TSC1 are known to be pathogenic (PMID: 10227394, 17304050). This variant is not present in population databases (gnomAD no frequency). This premature translational stop signal has been observed in individual(s) with tuberous sclerosis complex (PMID: 9328481). ClinVar contains an entry for this variant (Variation ID: 217251). For these reasons, this variant has been classified as Pathogenic.

Blueprint Genetics
Classification: Pathogenic for TSC1-related disorders. Last evaluated: 2020-12-15. Review status: criteria provided, single submitter. Criteria: ACMG Guidelines, 2015. Collection method: clinical testing. Allele origin: germline. Affected: yes. Observed: 1 variant allele.

Athena Diagnostics
Classification: Pathogenic for Tuberous sclerosis 1. Last evaluated: 2014-09-25. Review status: criteria provided, single submitter. Criteria: Athena Diagnostics Criteria. Collection method: clinical testing. Allele origin: germline. Inheritance: Autosomal dominant inheritance.

Tuberous sclerosis database (TSC1)
No classification provided. Condition: TSC. Review status: no classification provided. Criteria: Tuberous Sclerosis Database Assertion Criteria 2015. Collection method: curation. Allele origin: germline. Affected: yes. Not counted in ClinVar's aggregate classification.

Literature cited by the submitters: PubMed 10227394 (cited by Labcorp Genetics (formerly Invitae), Labcorp); PubMed 17304050 (cited by Labcorp Genetics (formerly Invitae), Labcorp); PubMed 9328481 (cited by Labcorp Genetics (formerly Invitae), Labcorp and Athena Diagnostics).

NM_000368.5(TSC1):c.2675_2676del (p.Arg892fs)

Gene: TSC1 (TSC complex subunit 1; minus strand). Cytogenetic location: 9q34.13.
Variant type: Deletion.
Coding change: c.2675_2676del on transcript NM_000368.5 (MANE Select); coding-DNA positions 2675 to 2676, 2 bases deleted (GA; older notation c.2675_2676delGA).
Protein change: p.Arg892fs; shifts the reading frame from arginine 892.
Molecular consequence: frameshift variant.
Genome position (GRCh38, 1-based): chr9:132,897,560-132,897,561, TC deleted on the plus strand (GA on the coding strand, the reverse complement: TSC1 is on the minus strand); deleting any 2 consecutive bases within chr9:132,897,560-132,897,562 gives the same sequence; the c. name uses the placement nearest the transcript's 3' end. VCF-style (leftmost placement, unchanged base first): chr9-132897559-TTC-T. GRCh37 (hg19) VCF-style: chr9-135772946-TTC-T.
Other names: c.2672_2673del, p.Arg891fs (NM_001162426.2); c.2522_2523del, p.Arg841fs (NM_001162427.2); c.2312_2313del, p.Arg771fs (NM_001362177.2); short protein forms R841fs, R891fs, R892fs, R771fs.
Identifiers: ClinVar variation 217251 (VCV000217251.4), dbSNP rs118203726, ClinGen allele CA006852.